The following is an entry in ClinVar:

ClinVar aggregate classification (germline): Uncertain significance (1 of 4 stars; one submission).

Conditions:
Cardiovascular phenotype. Identifiers: MedGen CN230736.

Submission:

Ambry Genetics
Classification: Uncertain significance for Cardiovascular phenotype. Last evaluated: 2023-09-24. Review status: criteria provided, single submitter. Criteria: Ambry Variant Classification Scheme 2023. Collection method: clinical testing. Allele origin: germline.
Comment: The p.D1937E variant (also known as c.5811T>A), located in coding exon 37 of the MYH6 gene, results from a T to A substitution at nucleotide position 5811. The aspartic acid at codon 1937 is replaced by glutamic acid, an amino acid with highly similar properties. This amino acid position is conserved. In addition, this alteration is predicted to be tolerated by in silico analysis. Since supporting evidence is limited at this time, the clinical significance of this alteration remains unclear.

NM_002471.4(MYH6):c.5811T>A (p.Asp1937Glu)

Gene: MYH6 (myosin heavy chain 6; minus strand). Cytogenetic location: 14q11.2.
Variant type: single nucleotide variant.
Coding change: c.5811T>A on transcript NM_002471.4 (MANE Select); coding-DNA position 5811, T replaced by A.
Protein change: p.Asp1937Glu; replaces aspartic acid 1937 with glutamic acid.
Molecular consequence: missense variant.
Genome position (GRCh38, 1-based): chr14:23,382,049, A>T on the plus strand (T>A on the coding strand, the complement: MYH6 is on the minus strand). VCF-style: chr14-23382049-A-T. GRCh37 (hg19) VCF-style: chr14-23851258-A-T.
Other names: short protein forms D1937E.
Identifiers: ClinVar variation 3222360 (VCV003222360.1), dbSNP rs1595045701, ClinGen allele CA388980839.